The following is an entry in ClinVar:

ClinVar aggregate classification (germline): Uncertain significance (1 of 4 stars; one submission).

Conditions:
Primary ciliary dyskinesia. Also called: Ciliary dyskinesia. Identifiers: Orphanet 244, MedGen C0008780, MONDO:0016575, HP:0012265.

gnomAD v4.1: 1 of 1,613,900 alleles (0.000062%); highest among the groups gnomAD compares: Non-Finnish European, 0.000085%; no homozygotes.

Submission:

Labcorp Genetics (formerly Invitae), Labcorp
Classification: Uncertain significance for Primary ciliary dyskinesia. Last evaluated: 2022-08-28. Review status: criteria provided, single submitter. Criteria: Invitae Variant Classification Sherloc (09022015). Collection method: clinical testing. Allele origin: germline.
Comment: Advanced modeling of protein sequence and biophysical properties (such as structural, functional, and spatial information, amino acid conservation, physicochemical variation, residue mobility, and thermodynamic stability) performed at Invitae indicates that this missense variant is not expected to disrupt DNAH5 protein function. In summary, the available evidence is currently insufficient to determine the role of this variant in disease. Therefore, it has been classified as a Variant of Uncertain Significance. This variant has not been reported in the literature in individuals affected with DNAH5-related conditions. This variant is not present in population databases (gnomAD no frequency). This sequence change replaces glutamine, which is neutral and polar, with glutamic acid, which is acidic and polar, at codon 610 of the DNAH5 protein (p.Gln610Glu).

NM_001369.3(DNAH5):c.1828C>G (p.Gln610Glu)

Gene: DNAH5 (dynein axonemal heavy chain 5; minus strand). Cytogenetic location: 5p15.2.
Variant type: single nucleotide variant.
Coding change: c.1828C>G on transcript NM_001369.3 (MANE Select); coding-DNA position 1828, C replaced by G.
Protein change: p.Gln610Glu; replaces glutamine 610 with glutamic acid.
Molecular consequence: missense variant.
Genome position (GRCh38, 1-based): chr5:13,901,476, G>C on the plus strand (C>G on the coding strand, the complement: DNAH5 is on the minus strand). VCF-style: chr5-13901476-G-C. GRCh37 (hg19) VCF-style: chr5-13901585-G-C.
Other names: short protein forms Q610E.
Identifiers: ClinVar variation 1982496 (VCV001982496.4), dbSNP rs121908853, ClinGen allele CA113944454.